The following is an entry in ClinVar:

NM_006941.4(SOX10):c.1135G>T (p.Ala379Ser)

Genes: POLR2F (RNA polymerase II, I and III subunit F; plus strand), SOX10 (SRY-box transcription factor 10; minus strand). Cytogenetic location: 22q13.1.
Variant type: single nucleotide variant.
Coding change: c.1135G>T on transcript NM_006941.4 (MANE Select); coding-DNA position 1135, G replaced by T.
Protein change: p.Ala379Ser; replaces alanine 379 with serine.
Molecular consequence: missense variant. On other transcripts: intron variant (3).
Genome position (GRCh38, 1-based): chr22:37,973,761, C>A on the plus strand (G>T on the coding strand, the complement: SOX10 is on the minus strand). VCF-style: chr22-37973761-C-A. GRCh37 (hg19) VCF-style: chr22-38369768-C-A.
Other names: c.*38+1451C>A (NM_001363825.1); c.293+6591C>A (NM_001301130.2, NM_001301131.2); short protein forms A379S.
Identifiers: ClinVar variation 2653127 (VCV002653127.22), dbSNP rs758445473, ClinGen allele CA411490594.

ClinVar aggregate classification (germline): Uncertain significance (1 of 4 stars; one submission).

gnomAD v4.1: 2 of 1,596,890 alleles (0.00013%); highest among the groups gnomAD compares: Non-Finnish European, 0.00017%; no homozygotes.

Submission:

CeGaT Center for Human Genetics Tuebingen
Classification: Uncertain significance. Last evaluated: 2023-08-01. Review status: criteria provided, single submitter. Criteria: CeGaT Center For Human Genetics Tuebingen Variant Classification Criteria Version 2. Collection method: clinical testing. Allele origin: germline. Affected: yes. Observed: 1 variant allele.
Comment: SOX10: PM2